The following is an entry in ClinVar:

ClinVar aggregate classification (germline): Likely benign. Review status: criteria provided, multiple submitters, no conflicts (2 of 4 stars). 3 submissions from 3 submitters: Likely benign (2). 1 of the submissions does not count toward it. Last evaluated 2024-11-15.

Conditions:
IRF2BP2-related disorder. Also called: IRF2BP2-related condition.

Allele frequency attached by ClinVar (database versions not stated): gnomAD exomes 0.00001; TOPMed 0.00002.

Submissions (3):

Blueprint Genetics
Classification: Likely benign. Last evaluated: 2024-11-15. Review status: criteria provided, single submitter. Criteria: ACMG Guidelines, 2015. Collection method: clinical testing. Allele origin: germline.

Labcorp Genetics (formerly Invitae), Labcorp
Classification: Likely benign. Last evaluated: 2023-06-17. Review status: criteria provided, single submitter. Criteria: Invitae Variant Classification Sherloc (09022015). Collection method: clinical testing. Allele origin: germline.

PreventionGenetics, part of Exact Sciences
Classification: Likely benign for IRF2BP2-related condition. Last evaluated: 2023-09-08. Review status: no assertion criteria provided. Collection method: clinical testing. Allele origin: germline. Not counted in ClinVar's aggregate classification.
Comment: This variant is classified as likely benign based on ACMG/AMP sequence variant interpretation guidelines (Richards et al. 2015 PMID: 25741868, with internal and published modifications).

NM_182972.3(IRF2BP2):c.366G>A (p.Ala122=)

Genes: IRF2BP2 (interferon regulatory factor 2 binding protein 2; minus strand), LOC129932812 (ATAC-STARR-seq lymphoblastoid silent region 1977; plus strand). Cytogenetic location: 1q42.3.
Variant type: single nucleotide variant.
Coding change: c.366G>A on transcript NM_182972.3 (MANE Select); coding-DNA position 366, G replaced by A.
Protein change: p.Ala122=; no amino-acid change (alanine 122 retained).
Molecular consequence: synonymous variant.
Genome position (GRCh38, 1-based): chr1:234,609,129, C>T on the plus strand (G>A on the coding strand, the complement: IRF2BP2 is on the minus strand). VCF-style: chr1-234609129-C-T. GRCh37 (hg19) VCF-style: chr1-234744875-C-T.
Other names: c.366G>A (NM_182972.2); c.366G>A, p.Ala122= (NM_001077397.1).
Identifiers: ClinVar variation 1514917 (VCV001514917.11), dbSNP rs1345891583, ClinGen allele CA424050381.
Genomic context (GRCh38, chr1:234,609,129, plus strand): 5'-CAGGCTCGCTGCCGGGCGGCTGCTGCCGAAGTCAGAGCCGAGGCGCGGGGGCCTCTCGGC[C>T]GCGGCCGCCAACGGGTAGCGCTCCAAGGCCTGCGGCGCGCGCGGGGCCGCCTCGGGGCCG-3'
Protein context (NP_892017.2, residues 112-132): QALERYPLAA[Ala122=]AERPPRLGSD